The following is an entry in ClinVar:

ClinVar aggregate classification (germline): Uncertain significance (1 of 4 stars; one submission).

Conditions:
Autosomal dominant hypocalcemia 1 (HYPOC1). Also called: HYPOCALCEMIA, FAMILIAL. Identifiers: MedGen C3715128, MONDO:0011013, OMIM 601198.
Familial hypocalciuric hypercalcemia (FHH). Also called: Familial benign hypercalcemia. Identifiers: Orphanet 405, MedGen C1809471, MONDO:0018458.

Allele frequency attached by ClinVar (database versions not stated): TOPMed below 0.00001; gnomAD 0.00001.
gnomAD v4.1: 1 of 1,614,096 alleles (0.000062%); highest among the groups gnomAD compares: Admixed American, 0.0017%; no homozygotes.

Submission:

Labcorp Genetics (formerly Invitae), Labcorp
Classification: Uncertain significance for Familial hypocalciuric hypercalcemia; Autosomal dominant hypocalcemia 1. Last evaluated: 2023-08-17. Review status: criteria provided, single submitter. Criteria: Invitae Variant Classification Sherloc (09022015). Collection method: clinical testing. Allele origin: germline.
Comment: This sequence change replaces proline, which is neutral and non-polar, with alanine, which is neutral and non-polar, at codon 278 of the CASR protein (p.Pro278Ala). This variant is not present in population databases (gnomAD no frequency). In summary, the available evidence is currently insufficient to determine the role of this variant in disease. Therefore, it has been classified as a Variant of Uncertain Significance. An algorithm developed to predict the effect of missense changes on protein structure and function (PolyPhen-2) suggests that this variant is likely to be disruptive. This variant has not been reported in the literature in individuals affected with CASR-related conditions.

NM_000388.4(CASR):c.832C>G (p.Pro278Ala)

Gene: CASR (calcium sensing receptor; plus strand). Cytogenetic location: 3q21.1.
Variant type: single nucleotide variant.
Coding change: c.832C>G on transcript NM_000388.4 (MANE Select); coding-DNA position 832, C replaced by G.
Protein change: p.Pro278Ala; replaces proline 278 with alanine.
Molecular consequence: missense variant.
Genome position (GRCh38, 1-based): chr3:122,261,867, C>G. VCF-style: chr3-122261867-C-G. GRCh37 (hg19) VCF-style: chr3-121980714-C-G.
Other names: c.832C>G, p.Pro278Ala (NM_001178065.2); short protein forms P278A.
Identifiers: ClinVar variation 2952287 (VCV002952287.3), dbSNP rs1301893790, ClinGen allele CA354151451.